The following is an entry in ClinVar:

ClinVar aggregate classification (germline): Benign/Likely benign. Review status: criteria provided, multiple submitters, no conflicts (2 of 4 stars). 2 submissions from 2 submitters: Benign (1); Likely benign (1). Last evaluated 2026-06-05.

Conditions:
BBS9-related disorder. Also called: BBS9-related condition.
Bardet-Biedl syndrome (BBS). Identifiers: Orphanet 110, MedGen C0752166, MONDO:0015229.

Submissions (2):

PreventionGenetics, part of Exact Sciences
Classification: Likely benign for BBS9-related condition. Last evaluated: 2026-06-05. Review status: criteria provided, single submitter. Criteria: ACMG Guidelines, 2015. Collection method: clinical testing. Allele origin: germline.
Comment: This variant is classified as likely benign based on ACMG/AMP sequence variant interpretation guidelines (Richards et al. 2015 PMID: 25741868, with internal and published modifications).

Labcorp Genetics (formerly Invitae), Labcorp
Classification: Benign for Bardet-Biedl syndrome. Last evaluated: 2022-05-09. Review status: criteria provided, single submitter. Criteria: Invitae Variant Classification Sherloc (09022015). Collection method: clinical testing. Allele origin: germline.

NM_198428.3(BBS9):c.1790-8del

Gene: BBS9 (Bardet-Biedl syndrome 9; plus strand). Cytogenetic location: 7p14.3.
Variant type: Deletion.
Coding change: c.1790-8del on transcript NM_198428.3 (MANE Select); 8 bases into the intron before coding-DNA position 1790, one base deleted (T; older notation c.1790-8delT).
Molecular consequence: intron variant.
Genome position (GRCh38, 1-based): chr7:33,383,658, T deleted; the last of 7 consecutive T bases (chr7:33,383,652-33,383,658); deleting any one gives the same sequence. VCF-style (leftmost placement, unchanged base first): chr7-33383651-AT-A. GRCh37 (hg19) VCF-style: chr7-33423263-AT-A.
Other names: c.1790-8del (NM_001348036.1, NM_001362679.1, NM_001348041.4 and 1 more transcripts); c.1517-8del (NM_001348038.3); c.1412-8del (NM_001348039.3); c.1775-8del (NM_001033605.2); c.1685-8del (NM_001033604.2); c.1670-8del (NM_014451.4, NM_001348040.3); c.1424-8del (NM_001348037.3, NM_001348045.3, NM_001348046.3); c.1655-8del (NM_001348042.3); and 2 more.
Identifiers: ClinVar variation 2182504 (VCV002182504.5), dbSNP rs764086538, ClinGen allele CA4214511.
Genomic context (GRCh38, chr7:33,383,651, plus strand): 5'-ATTAGTGATAGTTCATGTAGCTTTATCTAGTAATTCTGTGTTACTAAGCATTTTTCCTTA[AT>A]TTTTTTCTCTCAGAACGATATCGCATTCAGAGTGAACAATTTGAAGATCTTTGGCTCATA-3'